The following is an entry in ClinVar:

ClinVar aggregate classification (germline): Conflicting classifications of pathogenicity. Review status: criteria provided, conflicting classifications (1 of 4 stars). 6 submissions from 6 submitters: Uncertain significance (1); Likely benign (4). 1 of the submissions does not count toward it. Last evaluated 2025-12-17.

Conditions:
ELN-related disorder.
Supravalvar aortic stenosis (SVAS). Also called: Supravalvar aortic stenosis, Eisenberg type. Identifiers: Orphanet 3193, MedGen C0003499, MONDO:0008504, OMIM 185500, HP:0004381.

Allele frequency attached by ClinVar (database versions not stated): gnomAD 0.00006 and 0.00011; TOPMed 0.00007; ESP Exome Variant Server 0.00015; gnomAD exomes 0.00023; ExAC 0.00025.
gnomAD v4.1: 245 of 1,614,088 alleles (0.015%); highest among the groups gnomAD compares: Middle Eastern, 0.41%; 2 homozygotes.

Submissions (6):

GeneDx
Classification: Uncertain significance. Last evaluated: 2025-12-17. Review status: criteria provided, single submitter. Criteria: GeneDx Variant Classification Process June 2021. Collection method: clinical testing. Allele origin: germline.
Comment: Identified in a patient with midaortic syndrome (MAS) (PMID: 29483232); In silico analysis supports that this missense variant has a deleterious effect on protein structure/function; This variant is associated with the following publications: (PMID: 29483232)

Labcorp Genetics (formerly Invitae), Labcorp
Classification: Likely benign for Supravalvar aortic stenosis. Last evaluated: 2025-10-25. Review status: criteria provided, single submitter. Criteria: Invitae Variant Classification Sherloc (09022015). Collection method: clinical testing. Allele origin: germline.

Molecular Diagnostic Laboratory for Inherited Cardiovascular Disease, Montreal Heart Institute
Classification: Likely benign. Last evaluated: 2025-07-24. Review status: criteria provided, single submitter. Criteria: ACMG Guidelines, 2015. Collection method: clinical testing. Allele origin: germline. Affected: no.
Comment: BS1, BP1

Blueprint Genetics
Classification: Likely benign. Last evaluated: 2024-09-03. Review status: criteria provided, single submitter. Criteria: ACMG Guidelines, 2015. Collection method: clinical testing. Allele origin: germline.

CeGaT Center for Human Genetics Tuebingen
Classification: Likely benign. Last evaluated: 2023-08-01. Review status: criteria provided, single submitter. Criteria: CeGaT Center For Human Genetics Tuebingen Variant Classification Criteria Version 2. Collection method: clinical testing. Allele origin: germline. Affected: yes. Observed: 1 variant allele.
Comment: ELN: BS1

PreventionGenetics, part of Exact Sciences
Classification: Likely benign for ELN-related condition. Last evaluated: 2022-04-22. Review status: no assertion criteria provided. Collection method: clinical testing. Allele origin: germline. Not counted in ClinVar's aggregate classification.
Comment: This variant is classified as likely benign based on ACMG/AMP sequence variant interpretation guidelines (Richards et al. 2015 PMID: 25741868, with internal and published modifications).

NM_000501.4(ELN):c.2060G>A (p.Gly687Glu)

Gene: ELN (elastin; plus strand). Cytogenetic location: 7q11.23.
Variant type: single nucleotide variant.
Coding change: c.2060G>A on transcript NM_000501.4 (MANE Select); coding-DNA position 2060, G replaced by A.
Protein change: p.Gly687Glu; replaces glycine 687 with glutamic acid.
Molecular consequence: missense variant. On other transcripts: intron variant (6).
Genome position (GRCh38, 1-based): chr7:74,065,971, G>A. VCF-style: chr7-74065971-G-A. GRCh37 (hg19) VCF-style: chr7-73480301-G-A.
Other names: c.2003G>A, p.Gly668Glu (NM_001081755.3); c.1817G>A, p.Gly606Glu (NM_001278913.2); c.1988G>A, p.Gly663Glu (NM_001278914.2); c.2078G>A, p.Gly693Glu (NM_001278915.2); c.2030G>A, p.Gly677Glu (NM_001278917.2); c.2246G>A, p.Gly749Glu (NM_001278939.2); c.2047+239G>A (NM_001081754.3); c.1990+239G>A (NM_001081753.3); and 5 more; short protein forms G749E, G663E, G693E, G606E, G668E, G677E, G687E.
Identifiers: ClinVar variation 698435 (VCV000698435.38), dbSNP rs139547471, ClinGen allele CA4293366.
Genomic context (GRCh38, chr7:74,065,971, plus strand): 5'-TGTCTTATCCTGACCCCACCTGCCTCTTCTCAGGTGCTGCTGGCCTTGGAGGTGTCCTAG[G>A]GGGTGCCGGGCAGTTCCCACTTGGAGGTAGGGGTGGCCAGCTCTGCTACGTAGTCCTCAG-3'
Protein context (NP_000492.2, residues 677-697): YGAAGLGGVL[Gly687Glu]GAGQFPLGGV